The following is an entry in ClinVar:

ClinVar aggregate classification (germline): Uncertain significance. Review status: criteria provided, multiple submitters, no conflicts (2 of 4 stars). 3 submissions from 3 submitters: Uncertain significance (3). Last evaluated 2024-02-05.

Conditions:
Inborn genetic diseases. Identifiers: MedGen C0950123, MeSH D030342.
Cerebral folate transport deficiency. Also called: FOLATE RECEPTOR DEFICIENCY; FOLR1-Related Cerebral Folate Transport Deficiency; Cerebral folate deficiency syndrome; NEURODEGENERATION DUE TO CEREBRAL FOLATE TRANSPORT DEFICIENCY; Neurodegenerative syndrome due to cerebral folate transport deficiency. Identifiers: Orphanet 217382, MedGen C2751584, MONDO:0013110, OMIM 613068. Disease mechanism: loss of function.

Allele frequency attached by ClinVar (database versions not stated): gnomAD exomes below 0.00001; TOPMed below 0.00001.
gnomAD v4.1: 2 of 1,614,202 alleles (0.00012%); highest among the groups gnomAD compares: Non-Finnish European, 0.00017%; no homozygotes.

Submissions (3):

Ambry Genetics
Classification: Uncertain significance for Inborn genetic diseases. Last evaluated: 2024-02-05. Review status: criteria provided, single submitter. Criteria: Ambry Variant Classification Scheme 2023. Collection method: clinical testing. Allele origin: germline.

Labcorp Genetics (formerly Invitae), Labcorp
Classification: Uncertain significance for Cerebral folate transport deficiency. Last evaluated: 2022-02-22. Review status: criteria provided, single submitter. Criteria: Invitae Variant Classification Sherloc (09022015). Collection method: clinical testing. Allele origin: germline.
Comment: In summary, the available evidence is currently insufficient to determine the role of this variant in disease. Therefore, it has been classified as a Variant of Uncertain Significance. Algorithms developed to predict the effect of missense changes on protein structure and function (SIFT, PolyPhen-2, Align-GVGD) all suggest that this variant is likely to be disruptive. ClinVar contains an entry for this variant (Variation ID: 450195). This variant has not been reported in the literature in individuals affected with FOLR1-related conditions. This variant is not present in population databases (gnomAD no frequency). This sequence change replaces glutamic acid, which is acidic and polar, with lysine, which is basic and polar, at codon 108 of the FOLR1 protein (p.Glu108Lys).

GeneDx
Classification: Uncertain significance. Last evaluated: 2017-06-29. Review status: criteria provided, single submitter. Criteria: GeneDx Variant Classification (06012015). Collection method: clinical testing. Allele origin: germline. Affected: yes.
Comment: The E108K variant in the FOLR1 gene has not been reported previously as a pathogenic variant, nor as a benign variant, to our knowledge. The E108K variant is not observed in large population cohorts (Lek et al., 2016; 1000 Genomes Consortium et al., 2015; Exome Variant Server). The E108K variant is a non-conservative amino acid substitution, which is likely to impact secondary protein structure as these residues differ in polarity, charge, size and/or other properties. This substitution occurs at a position that is conserved across species. In silico analysis predicts this variant is probably damaging to the protein structure/function. We interpret E108K as a variant of uncertain significance.

NM_016729.3(FOLR1):c.322G>A (p.Glu108Lys)

Genes: FOLR1-AS1 (FOLR1 antisense RNA 1; minus strand), FOLR1 (folate receptor alpha; plus strand). Cytogenetic location: 11q13.4.
Variant type: single nucleotide variant.
Coding change: c.322G>A on transcript NM_016729.3 (MANE Select); coding-DNA position 322, G replaced by A.
Protein change: p.Glu108Lys; replaces glutamic acid 108 with lysine.
Molecular consequence: missense variant.
Genome position (GRCh38, 1-based): chr11:72,195,424, G>A. VCF-style: chr11-72195424-G-A. GRCh37 (hg19) VCF-style: chr11-71906468-G-A.
Other names: c.322G>A, p.Glu108Lys (NM_000802.3, NM_016724.3, NM_016725.3); short protein forms E108K.
Identifiers: ClinVar variation 450195 (VCV000450195.6), dbSNP rs1555069113, ClinGen allele CA381732559.
Genomic context (GRCh38, chr11:72,195,424, plus strand): 5'-CACTGTGGAGAGATGGCACCTGCCTGCAAACGGCATTTCATCCAGGACACCTGCCTCTAC[G>A]AGTGCTCCCCCAACTTGGGGCCCTGGATCCAGCAGGTATGCATGGCTTCCTGCAGGTACA-3'
Protein context (NP_057941.1, residues 98-118): RHFIQDTCLY[Glu108Lys]CSPNLGPWIQ